The following is an entry in ClinVar:

NM_032638.5(GATA2):c.874G>A (p.Gly292Ser)

Gene: GATA2 (GATA binding protein 2; minus strand). Cytogenetic location: 3q21.3.
Variant type: single nucleotide variant.
Coding change: c.874G>A on transcript NM_032638.5 (MANE Select); coding-DNA position 874, G replaced by A.
Protein change: p.Gly292Ser; replaces glycine 292 with serine.
Molecular consequence: missense variant.
Genome position (GRCh38, 1-based): chr3:128,484,003, C>T on the plus strand (G>A on the coding strand, the complement: GATA2 is on the minus strand). VCF-style: chr3-128484003-C-T. GRCh37 (hg19) VCF-style: chr3-128202846-C-T.
Other names: c.874G>A, p.Gly292Ser (NM_001145661.2, NM_001145662.1); short protein forms G292S.
Identifiers: ClinVar variation 2940122 (VCV002940122.4), dbSNP rs2472925311, ClinGen allele CA354405000.

ClinVar aggregate classification (germline): Uncertain significance. Review status: criteria provided, multiple submitters, no conflicts (2 of 4 stars). 2 submissions from 2 submitters: Uncertain significance (2). Last evaluated 2025-03-17.

Conditions:
Inborn genetic diseases. Identifiers: MedGen C0950123, MeSH D030342.
Deafness-lymphedema-leukemia syndrome. Also called: Lymphedema, primary, with myelodysplasia; Emberger syndrome. Identifiers: Orphanet 3226, MedGen C3279664, MONDO:0013540, OMIM 614038.
Monocytopenia with susceptibility to infections. Also called: MONOCYTOPENIA AND MYCOBACTERIAL INFECTION SYNDROME; MONOCYTOPENIA WITH SUSCEPTIBILITY TO MYCOBACTERIAL, FUNGAL, AND PAPILLOMAVIRUS INFECTIONS AND MYELODYSPLASIA; COMBINED IMMUNODEFICIENCY WITH SUSCEPTIBILITY TO MYCOBACTERIAL, VIRAL, AND FUNGAL INFECTIONS; Dendritic cell, monocyte, B lymphocyte, and natural killer lymphocyte deficiency; IMMUNODEFICIENCY 21; GATA2 DEFICIENCY. Identifiers: Orphanet 228423, MedGen C3280030, MONDO:0013607, OMIM 614172.

Submissions (2):

Ambry Genetics
Classification: Uncertain significance for Inborn genetic diseases. Last evaluated: 2025-03-17. Review status: criteria provided, single submitter. Criteria: Ambry Variant Classification Scheme 2023. Collection method: clinical testing. Allele origin: germline.
Comment: The p.G292S variant (also known as c.874G>A), located in coding exon 3 of the GATA2 gene, results from a G to A substitution at nucleotide position 874. The glycine at codon 292 is replaced by serine, an amino acid with similar properties. This amino acid position is conserved. In addition, this alteration is predicted to be deleterious by in silico analysis. Based on the available evidence, the clinical significance of this variant remains unclear.

Labcorp Genetics (formerly Invitae), Labcorp
Classification: Uncertain significance for Monocytopenia with susceptibility to infections; Deafness-lymphedema-leukemia syndrome. Last evaluated: 2023-03-14. Review status: criteria provided, single submitter. Criteria: Invitae Variant Classification Sherloc (09022015). Collection method: clinical testing. Allele origin: germline.
Comment: In summary, the available evidence is currently insufficient to determine the role of this variant in disease. Therefore, it has been classified as a Variant of Uncertain Significance. Algorithms developed to predict the effect of sequence changes on RNA splicing suggest that this variant may disrupt the consensus splice site. An algorithm developed to predict the effect of missense changes on protein structure and function (PolyPhen-2) suggests that this variant is likely to be disruptive. This variant has not been reported in the literature in individuals affected with GATA2-related conditions. This variant is not present in population databases (gnomAD no frequency). This sequence change replaces glycine, which is neutral and non-polar, with serine, which is neutral and polar, at codon 292 of the GATA2 protein (p.Gly292Ser).